The following is an entry in ClinVar:

NM_001330260.2(SCN8A):c.2110G>C (p.Val704Leu)

Gene: SCN8A (sodium voltage-gated channel alpha subunit 8; plus strand). Cytogenetic location: 12q13.13.
Variant type: single nucleotide variant.
Coding change: c.2110G>C on transcript NM_001330260.2 (MANE Select); coding-DNA position 2110, G replaced by C.
Protein change: p.Val704Leu; replaces valine 704 with leucine.
Molecular consequence: missense variant.
Genome position (GRCh38, 1-based): chr12:51,746,014, G>C. VCF-style: chr12-51746014-G-C. GRCh37 (hg19) VCF-style: chr12-52139798-G-C.
Other names: c.2110G>C (NM_014191.3); c.2110G>C, p.Val704Leu (NM_001177984.3, NM_001369788.1, NM_014191.4); short protein forms V704L.
Identifiers: ClinVar variation 2081436 (VCV002081436.5), dbSNP rs1316992880, ClinGen allele CA384878969.

ClinVar aggregate classification (germline): Uncertain significance. Review status: criteria provided, multiple submitters, no conflicts (2 of 4 stars). 2 submissions from 2 submitters: Uncertain significance (2). Last evaluated 2023-12-21.

Conditions:
Early-infantile DEE. Also called: Early infantile epileptic encephalopathy with suppression bursts; Early infantile epileptic encephalopathy; Ohtahara syndrome. Identifiers: Orphanet 1934, MedGen C0393706, MONDO:0800491.
SCN8A-related disorder.

Allele frequency attached by ClinVar (database versions not stated): gnomAD exomes below 0.00001; gnomAD 0.00001; TOPMed 0.00001.
gnomAD v4.1: 3 of 1,608,832 alleles (0.00019%); highest among the groups gnomAD compares: Non-Finnish European, 0.00025%; no homozygotes.

Submissions (2):

Labcorp Genetics (formerly Invitae), Labcorp
Classification: Uncertain significance for Early-infantile DEE. Last evaluated: 2023-12-21. Review status: criteria provided, single submitter. Criteria: Invitae Variant Classification Sherloc (09022015). Collection method: clinical testing. Allele origin: germline.
Comment: This sequence change replaces valine, which is neutral and non-polar, with leucine, which is neutral and non-polar, at codon 704 of the SCN8A protein (p.Val704Leu). This variant is present in population databases (no rsID available, gnomAD 0.0009%). This variant has not been reported in the literature in individuals affected with SCN8A-related conditions. ClinVar contains an entry for this variant (Variation ID: 2081436). Advanced modeling of protein sequence and biophysical properties (such as structural, functional, and spatial information, amino acid conservation, physicochemical variation, residue mobility, and thermodynamic stability) performed at Invitae indicates that this missense variant is not expected to disrupt SCN8A protein function with a negative predictive value of 95%. In summary, the available evidence is currently insufficient to determine the role of this variant in disease. Therefore, it has been classified as a Variant of Uncertain Significance.

PreventionGenetics, part of Exact Sciences
Classification: Uncertain significance for SCN8A-related condition. Last evaluated: 2023-06-14. Review status: criteria provided, single submitter. Criteria: ACMG Guidelines, 2015. Collection method: clinical testing. Allele origin: germline.
Comment: The SCN8A c.2110G>C variant is predicted to result in the amino acid substitution p.Val704Leu. To our knowledge, this variant has not been reported in the literature. This variant is reported in 0.00090% of alleles in individuals of European (Non-Finnish) descent in gnomAD. At this time, the clinical significance of this variant is uncertain due to the absence of conclusive functional and genetic evidence.